The following is an entry in ClinVar:

NM_001377334.1(PIK3C2B):c.3843+7A>C

Gene: PIK3C2B (phosphatidylinositol-4-phosphate 3-kinase catalytic subunit type 2 beta; minus strand). Cytogenetic location: 1q32.1.
Variant type: single nucleotide variant.
Coding change: c.3843+7A>C on transcript NM_001377334.1 (MANE Select); 7 bases into the intron after coding-DNA position 3843, A replaced by C.
Molecular consequence: intron variant.
Genome position (GRCh38, 1-based): chr1:204,433,786, T>G on the plus strand (A>C on the coding strand, the complement: PIK3C2B is on the minus strand). VCF-style: chr1-204433786-T-G. GRCh37 (hg19) VCF-style: chr1-204402914-T-G.
Other names: c.3759+7A>C (NM_001377335.1); c.3843+7A>C (NM_002646.4).
Identifiers: ClinVar variation 3043631 (VCV003043631.8), dbSNP rs143663969, ClinGen allele CA1347331.

ClinVar aggregate classification (germline): Likely benign. Review status: criteria provided, single submitter (1 of 4 stars). 2 submissions from 2 submitters: Likely benign (1). 1 of the submissions does not count toward it. Last evaluated 2025-10-01.

Conditions:
PIK3C2B-related disorder. Also called: PIK3C2B-related condition.

Allele frequency attached by ClinVar (database versions not stated): gnomAD 0.00065; TOPMed 0.00076; ESP Exome Variant Server 0.00077; ExAC 0.00089; 1000 Genomes Project 0.00100.
gnomAD v4.1: 1,508 of 1,599,360 alleles (0.094%); highest among the groups gnomAD compares: Non-Finnish European, 0.11%; 1 homozygote.

Submissions (2):

CeGaT Center for Human Genetics Tuebingen
Classification: Likely benign. Last evaluated: 2025-10-01. Review status: criteria provided, single submitter. Criteria: CeGaT Center For Human Genetics Tuebingen Variant Classification Criteria Version 2. Collection method: clinical testing. Allele origin: germline. Affected: yes. Observed: 1 variant allele.
Comment: PIK3C2B: BP4

PreventionGenetics, part of Exact Sciences
Classification: Likely benign for PIK3C2B-related condition. Last evaluated: 2019-04-11. Review status: no assertion criteria provided. Collection method: clinical testing. Allele origin: germline. Not counted in ClinVar's aggregate classification.
Comment: This variant is classified as likely benign based on ACMG/AMP sequence variant interpretation guidelines (Richards et al. 2015 PMID: 25741868, with internal and published modifications).